The following is an entry in ClinVar:

ClinVar aggregate classification (germline): Uncertain significance. Review status: criteria provided, multiple submitters, no conflicts (2 of 4 stars). 3 submissions from 3 submitters: Uncertain significance (3). Last evaluated 2025-07-29.

Conditions:
Inborn genetic diseases. Identifiers: MedGen C0950123, MeSH D030342.

gnomAD v4.1: 39 of 1,613,988 alleles (0.0024%); highest among the groups gnomAD compares: Non-Finnish European, 0.0032%; no homozygotes.

Submissions (3):

GeneDx
Classification: Uncertain significance. Last evaluated: 2025-07-29. Review status: criteria provided, single submitter. Criteria: GeneDx Variant Classification Process June 2021. Collection method: clinical testing. Allele origin: germline. Affected: yes.
Comment: Not observed at significant frequency in large population cohorts (gnomAD); In silico analysis suggests that this missense variant does not alter protein structure/function; Has not been previously published as pathogenic or benign to our knowledge; This variant is associated with the following publications: (PMID: 28545555)

Ambry Genetics
Classification: Uncertain significance for Inborn genetic diseases. Last evaluated: 2024-11-22. Review status: criteria provided, single submitter. Criteria: Ambry Variant Classification Scheme 2023. Collection method: clinical testing. Allele origin: germline.
Comment: The p.R223Q variant (also known as c.668G>A), located in coding exon 1 of the SAMD9L gene, results from a G to A substitution at nucleotide position 668. The arginine at codon 223 is replaced by glutamine, an amino acid with highly similar properties. This amino acid position is conserved. In addition, this alteration is predicted to be tolerated by in silico analysis. Based on the available evidence, the clinical significance of this variant remains unclear.

Blueprint Genetics
Classification: Uncertain significance. Last evaluated: 2018-07-16. Review status: criteria provided, single submitter. Criteria: ACMG Guidelines, 2015. Collection method: clinical testing. Allele origin: germline.

NM_152703.5(SAMD9L):c.668G>A (p.Arg223Gln)

Gene: SAMD9L (sterile alpha motif domain containing 9 like; minus strand). Cytogenetic location: 7q21.2.
Variant type: single nucleotide variant.
Coding change: c.668G>A on transcript NM_152703.5 (MANE Select); coding-DNA position 668, G replaced by A.
Protein change: p.Arg223Gln; replaces arginine 223 with glutamine.
Molecular consequence: missense variant.
Genome position (GRCh38, 1-based): chr7:93,135,304, C>T on the plus strand (G>A on the coding strand, the complement: SAMD9L is on the minus strand). VCF-style: chr7-93135304-C-T. GRCh37 (hg19) VCF-style: chr7-92764617-C-T.
Other names: c.668G>A (NM_152703.3); c.668G>A, p.Arg223Gln (NM_001303496.3, NM_001303497.3, NM_001303498.3 and 5 more transcripts); short protein forms R223Q.
Identifiers: ClinVar variation 3437155 (VCV003437155.3).